The following is an entry in ClinVar:

ClinVar aggregate classification (germline): Uncertain significance (1 of 4 stars; one submission).

Allele frequency attached by ClinVar (database versions not stated): gnomAD exomes below 0.00001; gnomAD 0.00002; TOPMed 0.00002.
gnomAD v4.1: 8 of 1,613,874 alleles (0.0005%); highest among the groups gnomAD compares: Admixed American, 0.0067%; no homozygotes.

Submission:

GeneDx
Classification: Uncertain significance. Last evaluated: 2023-05-01. Review status: criteria provided, single submitter. Criteria: GeneDx Variant Classification Process June 2021. Collection method: clinical testing. Allele origin: germline. Affected: yes.
Comment: In silico analysis supports that this missense variant has a deleterious effect on protein structure/function; Has not been previously published as pathogenic or benign to our knowledge

NM_001379403.1(WDR26):c.1835A>G (p.Tyr612Cys)

Gene: WDR26 (WD repeat domain 26; minus strand). Cytogenetic location: 1q42.11.
Variant type: single nucleotide variant.
Coding change: c.1835A>G on transcript NM_001379403.1 (MANE Select); coding-DNA position 1835, A replaced by G.
Protein change: p.Tyr612Cys; replaces tyrosine 612 with cysteine.
Molecular consequence: missense variant.
Genome position (GRCh38, 1-based): chr1:224,398,919, T>C on the plus strand (A>G on the coding strand, the complement: WDR26 is on the minus strand). VCF-style: chr1-224398919-T-C. GRCh37 (hg19) VCF-style: chr1-224586621-T-C.
Other names: c.1487A>G, p.Tyr496Cys (NM_001115113.3); c.1535A>G, p.Tyr512Cys (NM_025160.7); short protein forms Y496C, Y512C, Y612C.
Identifiers: ClinVar variation 2662189 (VCV002662189.1), dbSNP rs1302926249, ClinGen allele CA344747103.